The following is an entry in ClinVar:

ClinVar aggregate classification (germline): Uncertain significance (1 of 4 stars; one submission).

Conditions:
Progressive microcephaly-seizures-cortical blindness-developmental delay syndrome. Also called: Seizures, cortical blindness, and microcephaly syndrome. Identifiers: Orphanet 477814, MedGen C5567650, MONDO:0014714, OMIM 616632.
Autosomal dominant nonsyndromic hearing loss 1. Also called: KONIGSMARK SYNDROME; DEAFNESS, AUTOSOMAL DOMINANT 1, WITH OR WITHOUT THROMBOCYTOPENIA. Identifiers: Orphanet 90635, MedGen C1852282, MONDO:0007424, OMIM 124900.

gnomAD v4.1: 5 of 1,610,224 alleles (0.00031%); highest among the groups gnomAD compares: African/African-American, 0.0067%; no homozygotes.

Submission:

Labcorp Genetics (formerly Invitae), Labcorp
Classification: Uncertain significance for Progressive microcephaly-seizures-cortical blindness-developmental delay syndrome; Autosomal dominant nonsyndromic hearing loss 1. Last evaluated: 2023-09-19. Review status: criteria provided, single submitter. Criteria: Invitae Variant Classification Sherloc (09022015). Collection method: clinical testing. Allele origin: germline.
Comment: This sequence change replaces glutamine, which is neutral and polar, with proline, which is neutral and non-polar, at codon 778 of the DIAPH1 protein (p.Gln778Pro). In summary, the available evidence is currently insufficient to determine the role of this variant in disease. Therefore, it has been classified as a Variant of Uncertain Significance. An algorithm developed to predict the effect of missense changes on protein structure and function (PolyPhen-2) suggests that this variant is likely to be tolerated. ClinVar contains an entry for this variant (Variation ID: 2190951). This variant has not been reported in the literature in individuals affected with DIAPH1-related conditions. This variant is present in population databases (rs369255077, gnomAD 0.008%).

NM_005219.5(DIAPH1):c.2333A>C (p.Gln778Pro)

Gene: DIAPH1 (diaphanous related formin 1; minus strand). Cytogenetic location: 5q31.3.
Variant type: single nucleotide variant.
Coding change: c.2333A>C on transcript NM_005219.5 (MANE Select); coding-DNA position 2333, A replaced by C.
Protein change: p.Gln778Pro; replaces glutamine 778 with proline.
Molecular consequence: missense variant.
Genome position (GRCh38, 1-based): chr5:141,573,517, T>G on the plus strand (A>C on the coding strand, the complement: DIAPH1 is on the minus strand). VCF-style: chr5-141573517-T-G. GRCh37 (hg19) VCF-style: chr5-140953084-T-G.
Other names: c.2306A>C, p.Gln769Pro (NM_001079812.3); c.2333A>C, p.Gln778Pro (NM_001314007.2); short protein forms Q778P, Q769P.
Identifiers: ClinVar variation 2190951 (VCV002190951.4), dbSNP rs369255077, ClinGen allele CA3479119.
Genomic context (GRCh38, chr5:141,573,517, plus strand): 5'-GATTGACTGGTGAAGAAATAGACAGAAACTCTTACCTTGGACCAGTTTGGCCTCCGGAGC[T>G]GCACCTCTGGCTTATAAAGCTTTTTGGGGGTTAATCCAAATGGCAGAACTGGGGCTGCAG-3'
Protein context (NP_005210.3, residues 768-788): TPKKLYKPEV[Gln778Pro]LRRPNWSKLV